The following is an entry in ClinVar:

NM_201384.3(PLEC):c.13445G>T (p.Gly4482Val)

Gene: PLEC (plectin; minus strand). Cytogenetic location: 8q24.3.
Variant type: single nucleotide variant.
Coding change: c.13445G>T on transcript NM_201384.3 (MANE Select); coding-DNA position 13445, G replaced by T.
Protein change: p.Gly4482Val; replaces glycine 4482 with valine.
Molecular consequence: missense variant.
Genome position (GRCh38, 1-based): chr8:143,916,376, C>A on the plus strand (G>T on the coding strand, the complement: PLEC is on the minus strand). VCF-style: chr8-143916376-C-A. GRCh37 (hg19) VCF-style: chr8-144990544-C-A.
Other names: c.13526G>T, p.Gly4509Val (NM_000445.5); c.13403G>T, p.Gly4468Val (NM_201378.4); c.13379G>T, p.Gly4460Val (NM_201379.3); c.13856G>T, p.Gly4619Val (NM_201380.4); c.13349G>T, p.Gly4450Val (NM_201381.3); c.13445G>T, p.Gly4482Val (NM_201382.4); c.13457G>T, p.Gly4486Val (NM_201383.3); short protein forms G4460V, G4486V, G4450V, G4482V, G4509V, G4619V, G4468V.
Identifiers: ClinVar variation 860934 (VCV000860934.1), dbSNP rs1554668909, ClinGen allele CA372474415.
Genomic context (GRCh38, chr8:143,916,376, plus strand): 5'-CGGGAGCCGGCCCGGGAGCCGGTGCGCGAGCCGGTGCGGGAGCCAGCGGTAGAGCCGGAG[C>A]CGCTGACGCTGTAGGGGCTGTAGTAGCCCTTGGTGGACTGCGCGGCAGCCTCCAGCAGCC-3'
Protein context (NP_958786.1, residues 4472-4492): KGYYSPYSVS[Gly4482Val]SGSTAGSRTG

ClinVar aggregate classification (germline): Uncertain significance (1 of 4 stars; one submission).

Conditions:
Epidermolysis bullosa simplex 5B, with muscular dystrophy (EBS5B). Also called: Epidermolysis bullosa simplex with muscular dystrophy; EPIDERMOLYSIS BULLOSA SIMPLEX AND LIMB-GIRDLE MUSCULAR DYSTROPHY. Identifiers: Orphanet 257, MedGen C2931072, MONDO:0009181, OMIM 226670.
Epidermolysis bullosa simplex 5C, with pyloric atresia (EBS5C). Also called: PLEC1-Related Epidermolysis Bullosa with Pyloric Atresia; Epidermolysis bullosa simplex with pyloric atresia; PLEC-Related Epidermolysis Bullosa with Pyloric Atresia. Identifiers: Orphanet 158684, MedGen C2677349, MONDO:0012807, OMIM 612138.
Epidermolysis bullosa simplex, Ogna type (EBS5A). Also called: Pidermolysis bullosa simplex 5A, Ogna type; EPIDERMOLYSIS BULLOSA SIMPLEX 5A, OGNA TYPE. Identifiers: Orphanet 79401, MedGen C0432317, MONDO:0007555, OMIM 131950.
Autosomal recessive limb-girdle muscular dystrophy type 2Q (LGMDR17). Also called: MUSCULAR DYSTROPHY, LIMB-GIRDLE, AUTOSOMAL RECESSIVE 17. Identifiers: Orphanet 254361, MedGen C3150989, MONDO:0013390, OMIM 613723.
Epidermolysis bullosa simplex with nail dystrophy (EBS5D). Identifiers: MedGen C4225309, MONDO:0014661, OMIM 616487.

Allele frequency attached by ClinVar (database versions not stated): gnomAD exomes below 0.00001.
gnomAD v4.1: 2 of 1,610,392 alleles (0.00012%); highest among the groups gnomAD compares: Non-Finnish European, 0.000085%; no homozygotes.

Submission:

Labcorp Genetics (formerly Invitae), Labcorp
Classification: Uncertain significance for Limb-girdle muscular dystrophy, type 2Q; Epidermolysis bullosa simplex, Ogna type; Epidermolysis bullosa simplex with nail dystrophy; Epidermolysis bullosa simplex with pyloric atresia; Epidermolysa bullosa simplex and limb girdle muscular dystrophy. Last evaluated: 2019-03-08. Review status: criteria provided, single submitter. Criteria: Invitae Variant Classification Sherloc (09022015). Collection method: clinical testing. Allele origin: germline.
Comment: This sequence change replaces glycine with valine at codon 4509 of the PLEC protein (p.Gly4509Val). The glycine residue is highly conserved and there is a moderate physicochemical difference between glycine and valine. This variant is not present in population databases (ExAC no frequency). This variant has not been reported in the literature in individuals with PLEC-related conditions. Algorithms developed to predict the effect of missense changes on protein structure and function are either unavailable or do not agree on the potential impact of this missense change (SIFT: "Deleterious"; PolyPhen-2: "Not Available"; Align-GVGD: "Class C65"). In summary, the available evidence is currently insufficient to determine the role of this variant in disease. Therefore, it has been classified as a Variant of Uncertain Significance.